The following is an entry in ClinVar:

NM_020134.4(DPYSL5):c.128T>A (p.Met43Lys)

Gene: DPYSL5 (dihydropyrimidinase like 5; plus strand). Cytogenetic location: 2p23.3.
Variant type: single nucleotide variant.
Coding change: c.128T>A on transcript NM_020134.4 (MANE Select); coding-DNA position 128, T replaced by A.
Protein change: p.Met43Lys; replaces methionine 43 with lysine.
Molecular consequence: missense variant.
Genome position (GRCh38, 1-based): chr2:26,898,627, T>A. VCF-style: chr2-26898627-T-A. GRCh37 (hg19) VCF-style: chr2-27121495-T-A.
Other names: c.128T>A, p.Met43Lys (NM_001253723.2, NM_001253724.2); short protein forms M43K.
Identifiers: ClinVar variation 2430396 (VCV002430396.2), dbSNP rs2465425280, ClinGen allele CA346143484.

ClinVar aggregate classification (germline): Uncertain significance (1 of 4 stars; one submission).

Allele frequency attached by ClinVar (database versions not stated): gnomAD exomes below 0.00001.
gnomAD v4.1: 1 of 1,614,174 alleles (0.000062%); highest among the groups gnomAD compares: Non-Finnish European, 0.000085%; no homozygotes.

Submission:

GeneDx
Classification: Uncertain significance. Last evaluated: 2026-06-25. Review status: criteria provided, single submitter. Criteria: GeneDx Variant Classification Process June 2021. Collection method: clinical testing. Allele origin: germline.
Comment: Not observed at significant frequency in large population cohorts (gnomAD); In silico analysis supports that this missense variant has a deleterious effect on protein structure/function; Has not been previously published as pathogenic or benign to our knowledge